The following is an entry in ClinVar:

ClinVar aggregate classification (germline): Uncertain significance. Review status: criteria provided, single submitter (1 of 4 stars). 2 submissions from 2 submitters: Uncertain significance (1). 1 of the submissions does not count toward it.

Allele frequency attached by ClinVar (database versions not stated): gnomAD 0.00020; gnomAD exomes 0.00036; ESP Exome Variant Server 0.00223.

Submissions (2):

Breakthrough Genomics
Classification: Uncertain significance. Review status: criteria provided, single submitter. Criteria: ACMG Guidelines, 2015. Collection method: not provided. Allele origin: germline. Inheritance: Unknown mechanism. Affected: yes.

Department of Pathology and Laboratory Medicine, Sinai Health System
Classification: Uncertain significance. Review status: no assertion criteria provided. Collection method: clinical testing. Allele origin: unknown. Affected: yes. Study: The Canadian Open Genetics Repository (COGR). Not counted in ClinVar's aggregate classification.
Comment: The KCNJ18 p.Leu264Leu variant was not identified in the literature nor was it identified in ClinVar, Cosmic or LOVD 3.0. The variant was identified in dbSNP (ID: rs111301613) and in 107 of 282700 chromosomes at a frequency of 0.000378 increasing the likelihood this could be a low frequency benign variant (Genome Aggregation Database Feb 27, 2017). The variant was observed in the following populations: African in 98 of 24812 chromosomes (freq: 0.00395), Latino in 6 of 35436 chromosomes (freq: 0.000169), South Asian in 1 of 30616 chromosomes (freq: 0.000033) and European (non-Finnish) in 2 of 129166 chromosomes (freq: 0.000015), while the variant was not observed in the Ashkenazi Jewish, East Asian, European (Finnish), and Other populations. The p.Leu264Leu variant is not expected to have clinical significance because it does not result in a change of amino acid and is not located in a known consensus splice site. The variant occurs outside of the splicing consensus sequence and 2 of 4 in silico or computational prediction software programs (SpliceSiteFinder, MaxEntScan) predict a greater than 10% difference in splicing; this is not very predictive of pathogenicity. In summary, based on the above information the clinical significance of this variant cannot be determined with certainty at this time. This variant is classified as a variant of uncertain significance.

NM_021012.5(KCNJ12):c.792G>A (p.Leu264=)

Gene: KCNJ12 (potassium inwardly rectifying channel subfamily J member 12; plus strand). Cytogenetic location: 17p11.2.
Variant type: single nucleotide variant.
Coding change: c.792G>A on transcript NM_021012.5 (MANE Select); coding-DNA position 792, G replaced by A.
Protein change: p.Leu264=; no amino-acid change (leucine 264 retained).
Molecular consequence: synonymous variant.
Genome position (GRCh38, 1-based): chr17:21,416,134, G>A. VCF-style: chr17-21416134-G-A. GRCh37 (hg19) VCF-style: chr17-21319446-G-A.
Identifiers: ClinVar variation 1050153 (VCV001050153.2), dbSNP rs111301613, ClinGen allele CA8451289.